The following is an entry in ClinVar:

ClinVar aggregate classification (germline): Likely pathogenic. Review status: criteria provided, single submitter (1 of 4 stars). 2 submissions from 2 submitters: Likely pathogenic (1). 1 of the submissions does not count toward it. Last evaluated 2024-02-06.

Conditions:
Microcephaly 9, primary, autosomal recessive. Identifiers: Orphanet 2512, MedGen C3553886, MONDO:0013923, OMIM 614852.

Allele frequency attached by ClinVar (database versions not stated): gnomAD exomes below 0.00001; TOPMed 0.00001; ESP Exome Variant Server 0.00009.
gnomAD v4.1: 4 of 1,611,020 alleles (0.00025%); highest among the groups gnomAD compares: Non-Finnish European, 0.00034%; no homozygotes.

Submissions (2):

Labcorp Genetics (formerly Invitae), Labcorp
Classification: Likely pathogenic. Last evaluated: 2024-02-06. Review status: criteria provided, single submitter. Criteria: Invitae Variant Classification Sherloc (09022015). Collection method: clinical testing. Allele origin: germline.
Comment: This sequence change affects an acceptor splice site in intron 7 of the CEP152 gene. It is expected to disrupt RNA splicing. Variants that disrupt the donor or acceptor splice site typically lead to a loss of protein function (PMID: 16199547), and loss-of-function variants in CEP152 are known to be pathogenic (PMID: 21131973). This variant is not present in population databases (gnomAD no frequency). This variant has not been reported in the literature in individuals affected with CEP152-related conditions. ClinVar contains an entry for this variant (Variation ID: 977832). Algorithms developed to predict the effect of sequence changes on RNA splicing suggest that this variant may disrupt the consensus splice site. In summary, the currently available evidence indicates that the variant is pathogenic, but additional data are needed to prove that conclusively. Therefore, this variant has been classified as Likely Pathogenic.

Service de Génétique Moléculaire, Hôpital Robert Debré
Classification: Likely pathogenic for Microcephaly 9, primary, autosomal recessive. Review status: no assertion criteria provided. Collection method: clinical testing. Allele origin: unknown. Affected: yes. Not counted in ClinVar's aggregate classification.

Literature cited by the submitters: PubMed 16199547 (cited by Labcorp Genetics (formerly Invitae), Labcorp); PubMed 21131973 (cited by Labcorp Genetics (formerly Invitae), Labcorp).

NM_001194998.2(CEP152):c.833-1G>C

Gene: CEP152 (centrosomal protein 152; minus strand). Cytogenetic location: 15q21.1.
Variant type: single nucleotide variant.
Coding change: c.833-1G>C on transcript NM_001194998.2 (MANE Select); the canonical splice acceptor site of the intron before coding-DNA position 833, G replaced by C.
Molecular consequence: splice acceptor variant.
Genome position (GRCh38, 1-based): chr15:48,791,377, C>G on the plus strand (G>C on the coding strand, the complement: CEP152 is on the minus strand). VCF-style: chr15-48791377-C-G. GRCh37 (hg19) VCF-style: chr15-49083574-C-G.
Other names: c.833-1G>C (NM_014985.4).
Identifiers: ClinVar variation 977832 (VCV000977832.3), dbSNP rs372745389, ClinGen allele CA269569126.